The following is an entry in ClinVar:

ClinVar aggregate classification (germline): Uncertain significance (1 of 4 stars; one submission).

Conditions:
Cardiovascular phenotype. Identifiers: MedGen CN230736.

Submission:

Ambry Genetics
Classification: Uncertain significance for Cardiovascular phenotype. Last evaluated: 2024-10-24. Review status: criteria provided, single submitter. Criteria: Ambry Variant Classification Scheme 2023. Collection method: clinical testing. Allele origin: germline.
Comment: The p.I1418L variant (also known as c.4252A>C), located in coding exon 24 of the SCN10A gene, results from an A to C substitution at nucleotide position 4252. The isoleucine at codon 1418 is replaced by leucine, an amino acid with highly similar properties. This amino acid position is conserved. In addition, this alteration is predicted to be deleterious by in silico analysis. Based on the available evidence, the clinical significance of this variant remains unclear.

NM_006514.4(SCN10A):c.4252A>C (p.Ile1418Leu)

Gene: SCN10A (sodium voltage-gated channel alpha subunit 10; minus strand). Cytogenetic location: 3p22.2.
Variant type: single nucleotide variant.
Coding change: c.4252A>C on transcript NM_006514.4 (MANE Select); coding-DNA position 4252, A replaced by C.
Protein change: p.Ile1418Leu; replaces isoleucine 1418 with leucine.
Molecular consequence: missense variant.
Genome position (GRCh38, 1-based): chr3:38,709,507, T>G on the plus strand (A>C on the coding strand, the complement: SCN10A is on the minus strand). VCF-style: chr3-38709507-T-G. GRCh37 (hg19) VCF-style: chr3-38750998-T-G.
Other names: c.4249A>C, p.Ile1417Leu (NM_001293306.2); c.3958A>C, p.Ile1320Leu (NM_001293307.2); short protein forms I1320L, I1417L, I1418L.
Identifiers: ClinVar variation 3438132 (VCV003438132.1).